The following is an entry in ClinVar:

ClinVar aggregate classification (germline): Uncertain significance (1 of 4 stars; one submission).

Conditions:
Congenital contractural arachnodactyly (CCA). Also called: Beals-Hecht syndrome; BEALS SYNDROME; Arthrogryposis, distal, type 9. Identifiers: Orphanet 115, MedGen C0220668, MONDO:0007363, OMIM 121050.

Allele frequency attached by ClinVar (database versions not stated): gnomAD 0.00001; TOPMed 0.00001.
gnomAD v4.1: 6 of 1,614,024 alleles (0.00037%); highest among the groups gnomAD compares: Non-Finnish European, 0.00051%; no homozygotes.

Submission:

Labcorp Genetics (formerly Invitae), Labcorp
Classification: Uncertain significance for Congenital contractural arachnodactyly. Last evaluated: 2024-03-26. Review status: criteria provided, single submitter. Criteria: Invitae Variant Classification Sherloc (09022015). Collection method: clinical testing. Allele origin: germline.
Comment: This sequence change replaces leucine, which is neutral and non-polar, with methionine, which is neutral and non-polar, at codon 1187 of the FBN2 protein (p.Leu1187Met). This variant is not present in population databases (gnomAD no frequency). This variant has not been reported in the literature in individuals affected with FBN2-related conditions. ClinVar contains an entry for this variant (Variation ID: 528426). Advanced modeling of protein sequence and biophysical properties (such as structural, functional, and spatial information, amino acid conservation, physicochemical variation, residue mobility, and thermodynamic stability) performed at Invitae indicates that this missense variant is not expected to disrupt FBN2 protein function with a negative predictive value of 95%. In summary, the available evidence is currently insufficient to determine the role of this variant in disease. Therefore, it has been classified as a Variant of Uncertain Significance.

NM_001999.4(FBN2):c.3559C>A (p.Leu1187Met)

Gene: FBN2 (fibrillin 2; minus strand). Cytogenetic location: 5q23.3.
Variant type: single nucleotide variant.
Coding change: c.3559C>A on transcript NM_001999.4 (MANE Select); coding-DNA position 3559, C replaced by A.
Protein change: p.Leu1187Met; replaces leucine 1187 with methionine.
Molecular consequence: missense variant.
Genome position (GRCh38, 1-based): chr5:128,338,036, G>T on the plus strand (C>A on the coding strand, the complement: FBN2 is on the minus strand). VCF-style: chr5-128338036-G-T. GRCh37 (hg19) VCF-style: chr5-127673728-G-T.
Other names: short protein forms L1187M.
Identifiers: ClinVar variation 528426 (VCV000528426.9), dbSNP rs375710546, ClinGen allele CA360759292.